The following is an entry in ClinVar:

ClinVar aggregate classification (germline): Uncertain significance. Review status: criteria provided, multiple submitters, no conflicts (2 of 4 stars). 4 submissions from 4 submitters: Uncertain significance (3). 1 of the submissions does not count toward it. Last evaluated 2025-01-29.

Conditions:
Congenital neutropenia-myelofibrosis-nephromegaly syndrome. Also called: Severe congenital neutropenia 5, autosomal recessive. Identifiers: Orphanet 369852, MedGen C3809031, MONDO:0014118, OMIM 615285.

Allele frequency attached by ClinVar (database versions not stated): gnomAD 0.00008; gnomAD exomes 0.00008 and 0.00030; TOPMed 0.00008; ExAC 0.00010; ESP Exome Variant Server 0.00015.
gnomAD v4.1: 430 of 1,599,566 alleles (0.027%); highest among the groups gnomAD compares: Non-Finnish European, 0.036%; 1 homozygote.

Submissions (4):

Labcorp Genetics (formerly Invitae), Labcorp
Classification: Uncertain significance for Congenital neutropenia-myelofibrosis-nephromegaly syndrome. Last evaluated: 2025-01-29. Review status: criteria provided, single submitter. Criteria: Invitae Variant Classification Sherloc (09022015). Collection method: clinical testing. Allele origin: germline.
Comment: This sequence change replaces valine, which is neutral and non-polar, with alanine, which is neutral and non-polar, at codon 262 of the VPS45 protein (p.Val262Ala). This variant is present in population databases (rs148174305, gnomAD 0.02%). This variant has not been reported in the literature in individuals affected with VPS45-related conditions. ClinVar contains an entry for this variant (Variation ID: 651262). Invitae Evidence Modeling of protein sequence and biophysical properties (such as structural, functional, and spatial information, amino acid conservation, physicochemical variation, residue mobility, and thermodynamic stability) indicates that this missense variant is not expected to disrupt VPS45 protein function with a negative predictive value of 80%. In summary, the available evidence is currently insufficient to determine the role of this variant in disease. Therefore, it has been classified as a Variant of Uncertain Significance.

Blueprint Genetics
Classification: Uncertain significance. Last evaluated: 2022-03-07. Review status: criteria provided, single submitter. Criteria: ACMG Guidelines, 2015. Collection method: clinical testing. Allele origin: germline.

Genetic Services Laboratory, University of Chicago
Classification: Uncertain significance. Last evaluated: 2019-03-26. Review status: criteria provided, single submitter. Criteria: ACMG Guidelines, 2015. Collection method: clinical testing. Allele origin: germline. Affected: no.

Natera, Inc.
Classification: Uncertain significance for Autosomal recessive severe congenital neutropenia 5. Last evaluated: 2020-01-24. Review status: no assertion criteria provided. Collection method: clinical testing. Allele origin: germline. Not counted in ClinVar's aggregate classification.

NM_007259.5(VPS45):c.785T>C (p.Val262Ala)

Gene: VPS45 (vacuolar protein sorting 45 homolog; plus strand). Cytogenetic location: 1q21.2.
Variant type: single nucleotide variant.
Coding change: c.785T>C on transcript NM_007259.5 (MANE Select); coding-DNA position 785, T replaced by C.
Protein change: p.Val262Ala; replaces valine 262 with alanine.
Molecular consequence: missense variant. On other transcripts: non-coding transcript variant (1).
Genome position (GRCh38, 1-based): chr1:150,081,439, T>C. VCF-style: chr1-150081439-T-C. GRCh37 (hg19) VCF-style: chr1-150053521-T-C.
Other names: c.470T>C, p.Val157Ala (NM_001279353.2); c.677T>C, p.Val226Ala (NM_001279354.2); short protein forms V157A, V226A, V262A.
Identifiers: ClinVar variation 651262 (VCV000651262.10), dbSNP rs148174305, ClinGen allele CA1073234.